The following is an entry in ClinVar:

NM_007294.4(BRCA1):c.1967A>C (p.Asn656Thr)

Gene: BRCA1 (BRCA1 DNA repair associated; minus strand). Cytogenetic location: 17q21.31.
Variant type: single nucleotide variant.
Coding change: c.1967A>C on transcript NM_007294.4 (MANE Select); coding-DNA position 1967, A replaced by C.
Protein change: p.Asn656Thr; replaces asparagine 656 with threonine.
Molecular consequence: missense variant. On other transcripts: intron variant (137).
Genome position (GRCh38, 1-based): chr17:43,093,564, T>G on the plus strand (A>C on the coding strand, the complement: BRCA1 is on the minus strand). VCF-style: chr17-43093564-T-G. GRCh37 (hg19) VCF-style: chr17-41245581-T-G.
Other names: c.1889A>C, p.Asn630Thr (NM_001407658.1, NM_001407663.1, NM_001407657.1 and 4 more transcripts); c.1757A>C, p.Asn586Thr (NM_001407884.1, NM_001407885.1, NM_001407886.1 and 13 more transcripts); c.1964A>C, p.Asn655Thr (NM_001407612.1, NM_001407613.1, NM_001407614.1 and 22 more transcripts); c.1754A>C, p.Asn585Thr (NM_001407894.1, NM_001407895.1, NM_001407896.1 and 9 more transcripts); c.1967A>C, p.Asn656Thr (NM_001407626.1, NM_001407616.1, NM_001407602.1 and 30 more transcripts); c.1844A>C, p.Asn615Thr (NM_001407666.1, NM_001407667.1, NM_001407668.1 and 19 more transcripts); c.1841A>C, p.Asn614Thr (NM_001407670.1, NM_001407671.1, NM_001407672.1 and 11 more transcripts); c.1826A>C, p.Asn609Thr (NM_001407692.1, NM_001407694.1, NM_001407695.1 and 29 more transcripts); and 40 more; short protein forms N544T, N608T, N360T, N529T, N567T, N585T, N588T, N630T.
Identifiers: ClinVar variation 3992582 (VCV003992582.1).
Genomic context (GRCh38, chr17:43,093,564, plus strand): 5'-GTTGCAGGTTCTTTACCTTCCATGAGTTGTAGGTTTCTGCTGTGCCTGACTGGCATTTGG[T>G]TGTACTTTTTTTTCTTTATCTCTTCACTGCTAGAACAACTATCAATTTGCAATTCAGTAC-3'
Protein context (NP_009225.1, residues 646-666): SSEEIKKKKY[Asn656Thr]QMPVRHSRNL

ClinVar aggregate classification (germline): Uncertain significance (1 of 4 stars; one submission).

Conditions:
Hereditary cancer-predisposing syndrome. Also called: Tumor predisposition; Hereditary neoplastic syndrome; Neoplastic Syndromes, Hereditary; Hereditary Cancer Syndrome. Identifiers: Orphanet 140162, MedGen C0027672, MeSH D009386, MONDO:0015356.

Submission:

Ambry Genetics
Classification: Uncertain significance for Hereditary cancer-predisposing syndrome. Last evaluated: 2025-06-02. Review status: criteria provided, single submitter. Criteria: Ambry Variant Classification Scheme 2023. Collection method: clinical testing. Allele origin: germline.
Comment: The p.N656T variant (also known as c.1967A>C), located in coding exon 9 of the BRCA1 gene, results from an A to C substitution at nucleotide position 1967. The asparagine at codon 656 is replaced by threonine, an amino acid with similar properties. This amino acid position is not well conserved in available vertebrate species. In addition, this alteration is predicted to be tolerated by in silico analysis. Based on the available evidence, the clinical significance of this variant remains unclear.